The following is an entry in ClinVar:

ClinVar aggregate classification (germline): Likely benign. Review status: criteria provided, multiple submitters, no conflicts (2 of 4 stars). 4 submissions from 4 submitters: Likely benign (4). Last evaluated 2026-01-13.

Conditions:
Hypertrophic cardiomyopathy 10. Also called: CARDIOMYOPATHY, HYPERTROPHIC, MID-LEFT VENTRICULAR CHAMBER TYPE, 2; MYL2-Related Familial Hypertrophic Cardiomyopathy. Identifiers: MedGen C1834460, MONDO:0012112, OMIM 608758.
Hypertrophic cardiomyopathy. Also called: HYPERTROPHIC MYOCARDIOPATHY. Identifiers: Orphanet 217569, MedGen C0007194, MeSH D002312, MONDO:0005045, HP:0001639.
Cardiomyopathy (CMYO). Also called: Cardiomyopathies. Identifiers: Orphanet 167848, MedGen C0878544, MONDO:0004994, HP:0001638. Inheritance: Various modes of inheritance.
Cardiovascular phenotype. Identifiers: MedGen CN230736.

Allele frequency attached by ClinVar (database versions not stated): gnomAD exomes below 0.00001 and 0.00001; ExAC 0.00001; gnomAD 0.00003 and 0.00006; TOPMed 0.00006.
gnomAD v4.1: 11 of 1,614,084 alleles (0.00068%); highest among the groups gnomAD compares: Non-Finnish European, 0.00068%; no homozygotes.

Submissions (4):

Labcorp Genetics (formerly Invitae), Labcorp
Classification: Likely benign for Hypertrophic cardiomyopathy 10. Last evaluated: 2026-01-13. Review status: criteria provided, single submitter. Criteria: Invitae Variant Classification Sherloc (09022015). Collection method: clinical testing. Allele origin: germline.

All of Us Research Program, National Institutes of Health
Classification: Likely benign for Hypertrophic cardiomyopathy. Last evaluated: 2023-11-20. Review status: criteria provided, single submitter. Criteria: ACMG Guidelines, 2015. Collection method: clinical testing. Allele origin: germline. Inheritance: Autosomal dominant inheritance. Observed: 5 variant alleles, 5 heterozygotes.
Comment: This study involves interpretation of variants in research participants for the purpose of population health screening. Participant phenotype was not available at the time of variant classification. Additional details can be found in publication PMID: 35346344, PMCID: PMC8962531

Color Diagnostics, LLC DBA Color Health
Classification: Likely benign for Cardiomyopathy. Last evaluated: 2019-08-14. Review status: criteria provided, single submitter. Criteria: ACMG Guidelines, 2015. Collection method: clinical testing. Allele origin: germline.

Ambry Genetics
Classification: Likely benign for Cardiovascular phenotype. Last evaluated: 2016-07-14. Review status: criteria provided, single submitter. Criteria: Ambry Variant Classification Scheme 2023. Collection method: clinical testing. Allele origin: germline.

NM_000432.4(MYL2):c.387G>A (p.Arg129=)

Gene: MYL2 (myosin light chain 2; minus strand). Cytogenetic location: 12q24.11.
Variant type: single nucleotide variant.
Coding change: c.387G>A on transcript NM_000432.4 (MANE Select); coding-DNA position 387, G replaced by A.
Protein change: p.Arg129=; no amino-acid change (arginine 129 retained).
Molecular consequence: synonymous variant.
Genome position (GRCh38, 1-based): chr12:110,913,111, C>T on the plus strand (G>A on the coding strand, the complement: MYL2 is on the minus strand). VCF-style: chr12-110913111-C-T. GRCh37 (hg19) VCF-style: chr12-111350915-C-T.
Identifiers: ClinVar variation 518927 (VCV000518927.17), dbSNP rs774686046, ClinGen allele CA042421.